The following is an entry in ClinVar:

ClinVar aggregate classification (germline): Uncertain significance. Review status: criteria provided, multiple submitters, no conflicts (2 of 4 stars). 2 submissions from 2 submitters: Uncertain significance (2). Last evaluated 2024-05-09.

Conditions:
Epileptic encephalopathy. Identifiers: MedGen C0543888, HP:0200134.

Allele frequency attached by ClinVar (database versions not stated): gnomAD exomes below 0.00001 and 0.00001; gnomAD 0.00002; TOPMed 0.00004; ESP Exome Variant Server 0.00008.
gnomAD v4.1: 8 of 1,612,372 alleles (0.0005%); highest among the groups gnomAD compares: African/African-American, 0.004%; no homozygotes.

Submissions (2):

Labcorp Genetics (formerly Invitae), Labcorp
Classification: Uncertain significance for Epileptic encephalopathy. Last evaluated: 2024-05-09. Review status: criteria provided, single submitter. Criteria: Invitae Variant Classification Sherloc (09022015). Collection method: clinical testing. Allele origin: germline.
Comment: This sequence change replaces arginine, which is basic and polar, with cysteine, which is neutral and slightly polar, at codon 995 of the FASN protein (p.Arg995Cys). This variant is present in population databases (rs148696950, gnomAD 0.004%). This variant has not been reported in the literature in individuals affected with FASN-related conditions. ClinVar contains an entry for this variant (Variation ID: 1362725). An algorithm developed to predict the effect of missense changes on protein structure and function (PolyPhen-2) suggests that this variant is likely to be disruptive. In summary, the available evidence is currently insufficient to determine the role of this variant in disease. Therefore, it has been classified as a Variant of Uncertain Significance.

Ambry Genetics
Classification: Uncertain significance. Last evaluated: 2024-01-04. Review status: criteria provided, single submitter. Criteria: Ambry Variant Classification Scheme 2023. Collection method: clinical testing. Allele origin: germline.

NM_004104.5(FASN):c.2983C>T (p.Arg995Cys)

Gene: FASN (fatty acid synthase; minus strand). Cytogenetic location: 17q25.3.
Variant type: single nucleotide variant.
Coding change: c.2983C>T on transcript NM_004104.5 (MANE Select); coding-DNA position 2983, C replaced by T.
Protein change: p.Arg995Cys; replaces arginine 995 with cysteine.
Molecular consequence: missense variant.
Genome position (GRCh38, 1-based): chr17:82,087,745, G>A on the plus strand (C>T on the coding strand, the complement: FASN is on the minus strand). VCF-style: chr17-82087745-G-A. GRCh37 (hg19) VCF-style: chr17-80045621-G-A.
Other names: c.2983C>T (NM_004104.4); short protein forms R995C.
Identifiers: ClinVar variation 1362725 (VCV001362725.7), dbSNP rs148696950, ClinGen allele CA295133332.